The following is an entry in ClinVar:

NM_021930.6(RINT1):c.1280A>G (p.His427Arg)

Gene: RINT1 (RAD50 interactor 1; plus strand). Cytogenetic location: 7q22.3.
Variant type: single nucleotide variant.
Coding change: c.1280A>G on transcript NM_021930.6 (MANE Select); coding-DNA position 1280, A replaced by G.
Protein change: p.His427Arg; replaces histidine 427 with arginine.
Molecular consequence: missense variant. On other transcripts: non-coding transcript variant (1).
Genome position (GRCh38, 1-based): chr7:105,550,433, A>G. VCF-style: chr7-105550433-A-G. GRCh37 (hg19) VCF-style: chr7-105190880-A-G.
Other names: c.1046A>G, p.His349Arg (NM_001346599.2); c.257A>G, p.His86Arg (NM_001346600.2, NM_001346603.2); c.356A>G, p.His119Arg (NM_001346601.2); c.1280A>G (NM_021930.4); short protein forms H119R, H349R, H427R, H86R.
Identifiers: ClinVar variation 1025912 (VCV001025912.11), dbSNP rs1790879950, ClinGen allele CA368809355.

ClinVar aggregate classification (germline): Uncertain significance. Review status: criteria provided, multiple submitters, no conflicts (2 of 4 stars). 2 submissions from 2 submitters: Uncertain significance (2). Last evaluated 2025-06-07.

Allele frequency attached by ClinVar (database versions not stated): gnomAD exomes below 0.00001.
gnomAD v4.1: 1 of 1,614,148 alleles (0.000062%); highest among the groups gnomAD compares: South Asian, 0.0011%; no homozygotes.

Submissions (2):

Ambry Genetics
Classification: Uncertain significance. Last evaluated: 2025-06-07. Review status: criteria provided, single submitter. Criteria: Ambry Variant Classification Scheme 2023. Collection method: clinical testing. Allele origin: germline.
Comment: The p.H427R variant (also known as c.1280A>G), located in coding exon 9 of the RINT1 gene, results from an A to G substitution at nucleotide position 1280. The histidine at codon 427 is replaced by arginine, an amino acid with highly similar properties. This amino acid position is conserved. In addition, the in silico prediction for this alteration is inconclusive. Since supporting evidence is limited at this time, the clinical significance of this alteration remains unclear.

Labcorp Genetics (formerly Invitae), Labcorp
Classification: Uncertain significance. Last evaluated: 2023-11-25. Review status: criteria provided, single submitter. Criteria: Invitae Variant Classification Sherloc (09022015). Collection method: clinical testing. Allele origin: germline.
Comment: This sequence change replaces histidine, which is basic and polar, with arginine, which is basic and polar, at codon 427 of the RINT1 protein (p.His427Arg). This variant is not present in population databases (gnomAD no frequency). This variant has not been reported in the literature in individuals affected with RINT1-related conditions. ClinVar contains an entry for this variant (Variation ID: 1025912). An algorithm developed to predict the effect of missense changes on protein structure and function (PolyPhen-2) suggests that this variant is likely to be disruptive. In summary, the available evidence is currently insufficient to determine the role of this variant in disease. Therefore, it has been classified as a Variant of Uncertain Significance.